The following is an entry in ClinVar:

ClinVar aggregate classification (germline): Benign/Likely benign. Review status: criteria provided, multiple submitters, no conflicts (2 of 4 stars). 5 submissions from 5 submitters: Benign (1); Likely benign (3). 1 of the submissions does not count toward it. Last evaluated 2025-03-06.

Conditions:
PCNT-related disorder. Also called: PCNT-related condition.
Microcephalic osteodysplastic primordial dwarfism type II (MOPD2). Also called: MOPD II; OSTEODYSPLASTIC PRIMORDIAL DWARFISM, TYPE II; Microcephalic osteodysplastic primordial dwarfism with tooth abnormalities. Identifiers: Orphanet 2637, MedGen C0432246, MONDO:0008872, OMIM 210720.

Allele frequency attached by ClinVar (database versions not stated): gnomAD 0.00012 and 0.00019; gnomAD exomes 0.00013 and 0.00032; TOPMed 0.00021; ExAC 0.00031; 1000 Genomes Project 30x 0.00109; 1000 Genomes Project 0.00120.
gnomAD v4.1: 216 of 1,613,838 alleles (0.013%); highest among the groups gnomAD compares: East Asian, 0.39%; 1 homozygote.

Submissions (5):

Labcorp Genetics (formerly Invitae), Labcorp
Classification: Benign. Last evaluated: 2025-03-06. Review status: criteria provided, single submitter. Criteria: Invitae Variant Classification Sherloc (09022015). Collection method: clinical testing. Allele origin: germline.

Blueprint Genetics
Classification: Likely benign. Last evaluated: 2024-09-23. Review status: criteria provided, single submitter. Criteria: ACMG Guidelines, 2015. Collection method: clinical testing. Allele origin: germline.

Illumina Laboratory Services, Illumina
Classification: Likely benign for Microcephalic osteodysplastic primordial dwarfism type II. Last evaluated: 2018-01-13. Review status: criteria provided, single submitter. Criteria: ICSL Variant Classification Criteria 13 December 2019. Collection method: clinical testing. Allele origin: germline.
Comment: This variant was observed in the ICSL laboratory as part of a predisposition screen in an ostensibly healthy population. It had not been previously curated by ICSL or reported in the Human Gene Mutation Database (HGMD: prior to June 1st, 2018), and was therefore a candidate for classification through an automated scoring system. Utilizing variant allele frequency, disease prevalence and penetrance estimates, and inheritance mode, an automated score was calculated to assess if this variant is too frequent to cause the disease. Based on the score and internal cut-off values, a variant classified as likely benign is not then subjected to further curation. The score for this variant resulted in a classification of likely benign for this disease.

GeneDx
Classification: Likely benign. Last evaluated: 2016-05-13. Review status: criteria provided, single submitter. Criteria: GeneDx Variant Classification (06012015). Collection method: clinical testing. Allele origin: germline. Affected: yes.
Comment: This variant is considered likely benign or benign based on one or more of the following criteria: it is a conservative change, it occurs at a poorly conserved position in the protein, it is predicted to be benign by multiple in silico algorithms, and/or has population frequency not consistent with disease.

PreventionGenetics, part of Exact Sciences
Classification: Likely benign for PCNT-related condition. Last evaluated: 2023-12-21. Review status: no assertion criteria provided. Collection method: clinical testing. Allele origin: germline. Not counted in ClinVar's aggregate classification.
Comment: This variant is classified as likely benign based on ACMG/AMP sequence variant interpretation guidelines (Richards et al. 2015 PMID: 25741868, with internal and published modifications).

NM_006031.6(PCNT):c.7413G>A (p.Glu2471=)

Gene: PCNT (pericentrin; plus strand). Cytogenetic location: 21q22.3.
Variant type: single nucleotide variant.
Coding change: c.7413G>A on transcript NM_006031.6 (MANE Select); coding-DNA position 7413, G replaced by A.
Protein change: p.Glu2471=; no amino-acid change (glutamic acid 2471 retained).
Molecular consequence: synonymous variant.
Genome position (GRCh38, 1-based): chr21:46,427,714, G>A. VCF-style: chr21-46427714-G-A. GRCh37 (hg19) VCF-style: chr21-47847628-G-A.
Other names: c.7059G>A, p.Glu2353= (NM_001315529.2).
Identifiers: ClinVar variation 386119 (VCV000386119.15), dbSNP rs191561981, ClinGen allele CA10080645.